The following is an entry in ClinVar:

ClinVar aggregate classification (germline): Uncertain significance (1 of 4 stars; one submission).

Allele frequency attached by ClinVar (database versions not stated): gnomAD exomes below 0.00001; TOPMed below 0.00001.
gnomAD v4.1: 4 of 1,567,288 alleles (0.00026%); highest among the groups gnomAD compares: African/African-American, 0.0027%; no homozygotes.

Submission:

Labcorp Genetics (formerly Invitae), Labcorp
Classification: Uncertain significance. Last evaluated: 2024-05-07. Review status: criteria provided, single submitter. Criteria: Invitae Variant Classification Sherloc (09022015). Collection method: clinical testing. Allele origin: germline.
Comment: This sequence change replaces methionine, which is neutral and non-polar, with threonine, which is neutral and polar, at codon 348 of the MYLK3 protein (p.Met348Thr). This variant is present in population databases (no rsID available, gnomAD 0.007%). This variant has not been reported in the literature in individuals affected with MYLK3-related conditions. ClinVar contains an entry for this variant (Variation ID: 2093547). An algorithm developed to predict the effect of missense changes on protein structure and function (PolyPhen-2) suggests that this variant is likely to be tolerated. In summary, the available evidence is currently insufficient to determine the role of this variant in disease. Therefore, it has been classified as a Variant of Uncertain Significance.

NM_182493.3(MYLK3):c.1043T>C (p.Met348Thr)

Gene: MYLK3 (myosin light chain kinase 3; minus strand). Cytogenetic location: 16q11.2.
Variant type: single nucleotide variant.
Coding change: c.1043T>C on transcript NM_182493.3 (MANE Select); coding-DNA position 1043, T replaced by C.
Protein change: p.Met348Thr; replaces methionine 348 with threonine.
Molecular consequence: missense variant.
Genome position (GRCh38, 1-based): chr16:46,732,627, A>G on the plus strand (T>C on the coding strand, the complement: MYLK3 is on the minus strand). VCF-style: chr16-46732627-A-G. GRCh37 (hg19) VCF-style: chr16-46766539-A-G.
Other names: c.20T>C, p.Met7Thr (NM_001308301.1); short protein forms M7T, M348T.
Identifiers: ClinVar variation 2093547 (VCV002093547.4), dbSNP rs1307355631, ClinGen allele CA395793139.
Genomic context (GRCh38, chr16:46,732,627, plus strand): 5'-GCAGCTGCTGGAGCCTCTGTGGTGAGGGTGGGTCCAAGGCTGCCCCTGCCTGTCATCAGC[A>G]TCTCCCCAGGAGTATCCATCTCTTGTATGTGGATGGAGATCCTGGGGTGGAGAGAAACAT-3'
Protein context (NP_872299.2, residues 338-358): HIQEMDTPGE[Met348Thr]LMTGRGSLGP